The following is an entry in ClinVar:

ClinVar aggregate classification (germline): Uncertain significance (1 of 4 stars; one submission).

Allele frequency attached by ClinVar (database versions not stated): gnomAD 0.00001; gnomAD exomes 0.00001; TOPMed 0.00001; ExAC 0.00004.
gnomAD v4.1: 20 of 1,559,914 alleles (0.0013%); highest among the groups gnomAD compares: Non-Finnish European, 0.0016%; no homozygotes.

Submission:

CeGaT Center for Human Genetics Tuebingen
Classification: Uncertain significance. Last evaluated: 2022-10-01. Review status: criteria provided, single submitter. Criteria: CeGaT Center For Human Genetics Tuebingen Variant Classification Criteria Version 2. Collection method: clinical testing. Allele origin: germline. Affected: yes. Observed: 1 variant allele.
Comment: ABCC6: PM2

NM_001171.6(ABCC6):c.2819G>A (p.Arg940His)

Gene: ABCC6 (ATP binding cassette subfamily C member 6; minus strand). Cytogenetic location: 16p13.11.
Variant type: single nucleotide variant.
Coding change: c.2819G>A on transcript NM_001171.6 (MANE Select); coding-DNA position 2819, G replaced by A.
Protein change: p.Arg940His; replaces arginine 940 with histidine.
Molecular consequence: missense variant. On other transcripts: non-coding transcript variant (1).
Genome position (GRCh38, 1-based): chr16:16,169,822, C>T on the plus strand (G>A on the coding strand, the complement: ABCC6 is on the minus strand). VCF-style: chr16-16169822-C-T. GRCh37 (hg19) VCF-style: chr16-16263679-C-T.
Other names: c.2477G>A, p.Arg826His (NM_001351800.1); short protein forms R826H, R940H.
Identifiers: ClinVar variation 1879338 (VCV001879338.29), dbSNP rs775704936, ClinGen allele CA7925775.